The following is an entry in ClinVar:

NM_001267550.2(TTN):c.84900G>A (p.Leu28300=)

Genes: TTN (titin; minus strand), TTN-AS1 (TTN antisense RNA 1; plus strand). Cytogenetic location: 2q31.2.
Variant type: single nucleotide variant.
Coding change: c.84900G>A on transcript NM_001267550.2 (MANE Select); coding-DNA position 84900, G replaced by A.
Protein change: p.Leu28300=; no amino-acid change (leucine 28300 retained).
Molecular consequence: synonymous variant.
Genome position (GRCh38, 1-based): chr2:178,561,232, C>T on the plus strand (G>A on the coding strand, the complement: TTN is on the minus strand). VCF-style: chr2-178561232-C-T. GRCh37 (hg19) VCF-style: chr2-179425959-C-T.
Other names: c.79977G>A, p.Leu26659= (NM_001256850.1); c.57705G>A, p.Leu19235= (NM_003319.4); c.77196G>A, p.Leu25732= (NM_133378.4); c.58080G>A, p.Leu19360= (NM_133432.3); c.58281G>A, p.Leu19427= (NM_133437.4).
Identifiers: ClinVar variation 1120614 (VCV001120614.33), dbSNP rs1240509020, ClinGen allele CA430249072.
Genomic context (GRCh38, chr2:178,561,232, plus strand): 5'-ATCTTCAGTAAGTTCAGTTACTTCAAAGTATGTTTCTTGTATATTAGTATAATTGCACTT[C>T]AGCCACCGGCCATCTGGTAGTTCTCTGCGTTCAACAATGTATCCTGTGATCTTAGCTCCA-3'
Protein context (NP_001254479.2, residues 28290-28310): ERRELPDGRW[Leu28300=]KCNYTNIQET

ClinVar aggregate classification (germline): Likely benign. Review status: criteria provided, multiple submitters, no conflicts (2 of 4 stars). 2 submissions from 2 submitters: Likely benign (2). Last evaluated 2025-10-02.

Conditions:
Dilated cardiomyopathy 1G (CMD1G). Identifiers: Orphanet 154, MedGen C1858763, MONDO:0011400, OMIM 604145.
Autosomal recessive limb-girdle muscular dystrophy type 2J (LGMDR10). Also called: MUSCULAR DYSTROPHY, LIMB-GIRDLE, AUTOSOMAL RECESSIVE 10; Limb-girdle muscular dystrophy, type 2J. Identifiers: Orphanet 140922, MedGen C1837342, MONDO:0012127, OMIM 608807.

Allele frequency attached by ClinVar (database versions not stated): gnomAD exomes below 0.00001 and 0.00001; gnomAD 0.00001.
gnomAD v4.1: 22 of 1,613,500 alleles (0.0014%); highest among the groups gnomAD compares: Non-Finnish European, 0.0018%; no homozygotes.

Submissions (2):

Labcorp Genetics (formerly Invitae), Labcorp
Classification: Likely benign for Dilated cardiomyopathy 1G; Autosomal recessive limb-girdle muscular dystrophy type 2J. Last evaluated: 2025-10-02. Review status: criteria provided, single submitter. Criteria: Invitae Variant Classification Sherloc (09022015). Collection method: clinical testing. Allele origin: germline.

CeGaT Center for Human Genetics Tuebingen
Classification: Likely benign. Last evaluated: 2023-01-01. Review status: criteria provided, single submitter. Criteria: CeGaT Center For Human Genetics Tuebingen Variant Classification Criteria Version 2. Collection method: clinical testing. Allele origin: germline. Affected: yes. Observed: 1 variant allele.
Comment: TTN: BP4, BP7